The following is an entry in ClinVar:

ClinVar aggregate classification (germline): Likely pathogenic (1 of 4 stars; one submission).

Conditions:
Glycogen storage disease, type VII (GSD7). Also called: PFKM DEFICIENCY; TARUI DISEASE; GSD VII; MUSCLE PHOSPHOFRUCTOKINASE DEFICIENCY. Identifiers: Orphanet 371, MedGen C0017926, MONDO:0009295, OMIM 232800.

Submission:

Myriad Genetics, Inc.
Classification: Likely pathogenic for Glycogen storage disease, type VII. Last evaluated: 2022-04-01. Review status: criteria provided, single submitter. Criteria: Myriad Women's Health Autosomal Recessive and X-Linked Classification Criteria (2021). Collection method: clinical testing. Allele origin: unknown.
Comment: NM_001166686.1(PFKM):c.1064_1065delTT(V355Efs*6) is expected to be pathogenic in the context of glycogen storage disease type VII. This variant is predicted to lead to an abnormal or absent protein product due to the creation of a premature termination codon in PFKM, a gene where loss-of-function variants are known to be pathogenic. Please note: this variant was assessed in the context of healthy population screening.

NM_000289.6(PFKM):c.851_852del (p.Val284fs)

Gene: PFKM (phosphofructokinase, muscle; plus strand). Cytogenetic location: 12q13.11.
Variant type: Deletion.
Coding change: c.851_852del on transcript NM_000289.6 (MANE Select); coding-DNA positions 851 to 852, 2 bases deleted (TT; older notation c.851_852delTT).
Protein change: p.Val284fs; shifts the reading frame from valine 284.
Molecular consequence: frameshift variant. On other transcripts: non-coding transcript variant (6), intron variant (1).
Genome position (GRCh38, 1-based): chr12:48,135,298-48,135,299, TT deleted. VCF-style (leftmost placement, unchanged base first): chr12-48135297-GTT-G. GRCh37 (hg19) VCF-style: chr12-48529080-GTT-G.
Other names: c.1064_1065del, p.Val355fs (NM_001166686.2, NM_001354737.1, NM_001354738.1 and 1 more transcripts); c.851_852del, p.Val284fs (NM_001166687.2, NM_001166688.2, NM_001354742.2 and 3 more transcripts); c.1160_1161del, p.Val387fs (NM_001354735.1, NM_001354736.1); c.995_996del, p.Val332fs (NM_001354740.1); c.875_876del, p.Val292fs (NM_001354741.2); c.764_765del, p.Val255fs (NM_001354745.2); c.701_702del, p.Val234fs (NM_001354747.2, NM_001354748.2); c.843+260_843+261del (NM_001363619.2); short protein forms V234fs, V255fs, V284fs, V292fs, V332fs, V355fs, V387fs.
Identifiers: ClinVar variation 1725815 (VCV001725815.2), dbSNP rs2498389370, ClinGen allele CA2580085519.